The following is an entry in ClinVar:

ClinVar aggregate classification (germline): Pathogenic (1 of 4 stars; one submission).

Conditions:
Glycine encephalopathy. Also called: Nonketotic hyperglycinemia; Non-ketotic hyperglycinemia. Identifiers: Orphanet 407, MedGen C0751748, MONDO:0011612, HP:0008288.

Submission:

Labcorp Genetics (formerly Invitae), Labcorp
Classification: Pathogenic for Glycine encephalopathy. Last evaluated: 2020-09-15. Review status: criteria provided, single submitter. Criteria: Invitae Variant Classification Sherloc (09022015). Collection method: clinical testing. Allele origin: germline.
Comment: For these reasons, this variant has been classified as Pathogenic. Loss-of-function variants in AMT are known to be pathogenic (PMID: 16450403). This variant has not been reported in the literature in individuals with AMT-related conditions. This variant is not present in population databases (ExAC no frequency). This sequence change creates a premature translational stop signal (p.Thr87Aspfs*6) in the AMT gene. It is expected to result in an absent or disrupted protein product.

Literature cited by the submitters: PubMed 16450403.

NM_000481.4(AMT):c.257dup (p.Thr87fs)

Gene: AMT (aminomethyltransferase; minus strand). Cytogenetic location: 3p21.31.
Variant type: Duplication.
Coding change: c.257dup on transcript NM_000481.4 (MANE Select); coding-DNA position 257, one base duplicated (A; older notation c.257dupA).
Protein change: p.Thr87fs; shifts the reading frame from threonine 87.
Molecular consequence: frameshift variant. On other transcripts: non-coding transcript variant (1), intron variant (1).
Genome position (GRCh38, 1-based): chr3:49,422,105, T duplicated on the plus strand (A on the coding strand, the reverse complement: AMT is on the minus strand). VCF-style (leftmost placement, unchanged base first): chr3-49422104-C-CT. GRCh37 (hg19) VCF-style: chr3-49459537-C-CT.
Other names: c.257dup, p.Thr87fs (NM_001164710.2, NM_001164712.2); c.90+256dup (NM_001164711.2); short protein forms T87fs.
Identifiers: ClinVar variation 1075196 (VCV001075196.5), dbSNP rs2107937267, ClinGen allele CA2499216908.